The following is an entry in ClinVar:

NM_033004.4(NLRP1):c.3664A>T (p.Ile1222Phe)

Gene: NLRP1 (NLR family pyrin domain containing 1; minus strand). Cytogenetic location: 17p13.2.
Variant type: single nucleotide variant.
Coding change: c.3664A>T on transcript NM_033004.4 (MANE Select); coding-DNA position 3664, A replaced by T.
Protein change: p.Ile1222Phe; replaces isoleucine 1222 with phenylalanine.
Molecular consequence: missense variant.
Genome position (GRCh38, 1-based): chr17:5,521,643, T>A on the plus strand (A>T on the coding strand, the complement: NLRP1 is on the minus strand). VCF-style: chr17-5521643-T-A. GRCh37 (hg19) VCF-style: chr17-5424963-T-A.
Other names: c.3676A>T, p.Ile1226Phe (NM_001033053.3); c.3664A>T, p.Ile1222Phe (NM_014922.5); c.3574A>T, p.Ile1192Phe (NM_033006.4, NM_033007.4); short protein forms I1222F, I1192F, I1226F.
Identifiers: ClinVar variation 2812107 (VCV002812107.3), dbSNP rs2507732493, ClinGen allele CA397389197.
Genomic context (GRCh38, chr17:5,521,643, plus strand): 5'-GGACGCGGTGGTAAAGCAACACCACAGAGGTGACGGGAATGAAGCGCAGGGCATTATGGA[T>A]CATTTTCAGGAGGACTCCCAAGGGGGAGAAGCTGGGGTTTTCCAGAACTATGTGATGCAG-3'
Protein context (NP_127497.1, residues 1212-1232): FSPLGVLLKM[Ile1222Phe]HNALRFIPVT

ClinVar aggregate classification (germline): Uncertain significance (1 of 4 stars; one submission).

Submission:

Labcorp Genetics (formerly Invitae), Labcorp
Classification: Uncertain significance. Last evaluated: 2022-11-04. Review status: criteria provided, single submitter. Criteria: Invitae Variant Classification Sherloc (09022015). Collection method: clinical testing. Allele origin: germline.
Comment: In summary, the available evidence is currently insufficient to determine the role of this variant in disease. Therefore, it has been classified as a Variant of Uncertain Significance. Algorithms developed to predict the effect of missense changes on protein structure and function are either unavailable or do not agree on the potential impact of this missense change (SIFT: "Deleterious"; PolyPhen-2: "Possibly Damaging"; Align-GVGD: "Class C0"). This variant has not been reported in the literature in individuals affected with NLRP1-related conditions. This variant is not present in population databases (gnomAD no frequency). This sequence change replaces isoleucine, which is neutral and non-polar, with phenylalanine, which is neutral and non-polar, at codon 1222 of the NLRP1 protein (p.Ile1222Phe).